The following is an entry in ClinVar:

ClinVar aggregate classification (germline): Uncertain significance. Review status: criteria provided, multiple submitters, no conflicts (2 of 4 stars). 2 submissions from 2 submitters: Uncertain significance (2). Last evaluated 2025-11-22.

Conditions:
Colorectal cancer, hereditary nonpolyposis, type 7. Identifiers: Orphanet 144, MedGen C1858380, MONDO:0013725, OMIM 614385.

Allele frequency attached by ClinVar (database versions not stated): gnomAD 0.00003; ExAC 0.00001; TOPMed 0.00004; ESP Exome Variant Server 0.00008; gnomAD exomes below 0.00001.
gnomAD v4.1: 5 of 1,614,064 alleles (0.00031%); highest among the groups gnomAD compares: African/African-American, 0.0067%; no homozygotes.

Submissions (2):

Labcorp Genetics (formerly Invitae), Labcorp
Classification: Uncertain significance for Colorectal cancer, hereditary nonpolyposis, type 7. Last evaluated: 2025-11-22. Review status: criteria provided, single submitter. Criteria: Invitae Variant Classification Sherloc (09022015). Collection method: clinical testing. Allele origin: germline.
Comment: This sequence change replaces serine, which is neutral and polar, with glycine, which is neutral and non-polar, at codon 957 of the MLH3 protein (p.Ser957Gly). This variant is present in population databases (rs149688134, gnomAD 0.007%). This variant has not been reported in the literature in individuals affected with MLH3-related conditions. ClinVar contains an entry for this variant (Variation ID: 2497074). An algorithm developed to predict the effect of missense changes on protein structure and function (PolyPhen-2) suggests that this variant is likely to be tolerated. In summary, the available evidence is currently insufficient to determine the role of this variant in disease. Therefore, it has been classified as a Variant of Uncertain Significance.

Ambry Genetics
Classification: Uncertain significance. Last evaluated: 2025-05-02. Review status: criteria provided, single submitter. Criteria: Ambry Variant Classification Scheme 2023. Collection method: clinical testing. Allele origin: germline.
Comment: The p.S957G variant (also known as c.2869A>G), located in coding exon 1 of the MLH3 gene, results from an A to G substitution at nucleotide position 2869. The serine at codon 957 is replaced by glycine, an amino acid with similar properties. This alteration was observed in a cohort of 1231 cases of colorectal cancer and 93 controls; in an individual with colon cancer without prior IHC or MSI testing (DeRycke MS et al. Mol Genet Genomic Med, 2017 Sep;5:553-569). This amino acid position is poorly conserved in available vertebrate species. In addition, this alteration is predicted to be tolerated by in silico analysis. Since supporting evidence is limited at this time, the clinical significance of this alteration remains unclear.

Literature cited by the submitters: PubMed 28944238 (cited by Ambry Genetics).

NM_001040108.2(MLH3):c.2869A>G (p.Ser957Gly)

Gene: MLH3 (mutL homolog 3; minus strand). Cytogenetic location: 14q24.3.
Variant type: single nucleotide variant.
Coding change: c.2869A>G on transcript NM_001040108.2 (MANE Select); coding-DNA position 2869, A replaced by G.
Protein change: p.Ser957Gly; replaces serine 957 with glycine.
Molecular consequence: missense variant.
Genome position (GRCh38, 1-based): chr14:75,046,787, T>C on the plus strand (A>G on the coding strand, the complement: MLH3 is on the minus strand). VCF-style: chr14-75046787-T-C. GRCh37 (hg19) VCF-style: chr14-75513490-T-C.
Other names: c.2869A>G, p.Ser957Gly (NM_014381.3); short protein forms S957G.
Identifiers: ClinVar variation 2497074 (VCV002497074.5), dbSNP rs149688134, ClinGen allele CA7275626.
Genomic context (GRCh38, chr14:75,046,787, plus strand): 5'-AATTATTATAGGGCAATACCAAAGGAGTTTCTGATATCACACAGTTCTCTGTTGTATTGC[T>C]GTTAGAATGTGTTTTACTATTTTTATTAAAGGAATTATCCTGTGTGGCAGAATCTGATGT-3'
Protein context (NP_001035197.1, residues 947-967): FNKNSKTHSN[Ser957Gly]NTTENCVISE